The following is an entry in ClinVar:

ClinVar aggregate classification (germline): Uncertain significance. Review status: criteria provided, multiple submitters, no conflicts (2 of 4 stars). 2 submissions from 2 submitters: Uncertain significance (2). Last evaluated 2023-06-28.

Conditions:
Marfan syndrome (MFS). Also called: Marfan syndrome, classic; FBN1-Related Marfan Syndrome; Marfan syndrome type 1; Marfan's syndrome; MARFAN SYNDROME, TYPE I. Identifiers: Orphanet 284963, Orphanet 558, MedGen C0024796, MONDO:0007947, OMIM 154700.

Allele frequency attached by ClinVar (database versions not stated): gnomAD exomes below 0.00001.
gnomAD v4.1: 3 of 1,614,182 alleles (0.00019%); highest among the groups gnomAD compares: Non-Finnish European, 0.00025%; no homozygotes.

Submissions (2):

All of Us Research Program, National Institutes of Health
Classification: Uncertain significance for Marfan syndrome. Last evaluated: 2023-06-28. Review status: criteria provided, single submitter. Criteria: ACMG Guidelines, 2015. Collection method: clinical testing. Allele origin: germline. Inheritance: Autosomal dominant inheritance. Observed: 1 variant allele, 1 heterozygote.
Comment: This study involves interpretation of variants in research participants for the purpose of population health screening. Participant phenotype was not available at the time of variant classification. Additional details can be found in publication PMID: 35346344, PMCID: PMC8962531

GeneDx
Classification: Uncertain significance. Last evaluated: 2017-08-15. Review status: criteria provided, single submitter. Criteria: GeneDx Variant Classification (06012015). Collection method: clinical testing. Allele origin: germline. Affected: yes.
Comment: p.Ser1550Cys (AGC>TGC): c.4648 A>T in exon 38 of the FBN1 gene (NM_000138.4)A variant of unknown significance has been identified in the FBN1 gene. The S1550C variant has not been published as a mutation, nor has it been reported as a benign polymorphism to our knowledge. The S1550C variant was not observed in approximately 6500 individuals of European and African American ancestry in the NHLBI Exome Sequencing Project, indicating it is not a common benign variant in these populations. The S1550C variant is a non-conservative amino acid substitution, which is likely to impact secondary protein structure as these residues differ in polarity, charge, size and/or other properties. This substitution occurs at a position that is well conserved across species. The S1550C results in gain of Cysteine residue, which may impact disulfide bonding. In silico analysis predicts this variant is probably damaging to the protein structure/function. However, mutations in nearby residues have not been reported in association with Marfan syndrome or FBN1-related disorder, indicating this region of the protein may tolerate change. Therefore, based on the currently available information, it is unclear whether this variant is a pathogenic mutation or a rare benign variant. The variant is found in TAAD panel(s).

NM_000138.5(FBN1):c.4648A>T (p.Ser1550Cys)

Gene: FBN1 (fibrillin 1; minus strand). Cytogenetic location: 15q21.1.
Variant type: single nucleotide variant.
Coding change: c.4648A>T on transcript NM_000138.5 (MANE Select); coding-DNA position 4648, A replaced by T.
Protein change: p.Ser1550Cys; replaces serine 1550 with cysteine.
Molecular consequence: missense variant.
Genome position (GRCh38, 1-based): chr15:48,468,037, T>A on the plus strand (A>T on the coding strand, the complement: FBN1 is on the minus strand). VCF-style: chr15-48468037-T-A. GRCh37 (hg19) VCF-style: chr15-48760234-T-A.
Other names: p.S1550C:AGC>TGC; short protein forms S1550C.
Identifiers: ClinVar variation 200053 (VCV000200053.3), dbSNP rs794728229, ClinGen allele CA015272.